The following is an entry in ClinVar:

NM_001042492.3(NF1):c.6558A>C (p.Ser2186=)

Gene: NF1 (neurofibromin 1; plus strand). Cytogenetic location: 17q11.2.
Variant type: single nucleotide variant.
Coding change: c.6558A>C on transcript NM_001042492.3 (MANE Select); coding-DNA position 6558, A replaced by C.
Protein change: p.Ser2186=; no amino-acid change (serine 2186 retained).
Molecular consequence: synonymous variant.
Genome position (GRCh38, 1-based): chr17:31,337,498, A>C. VCF-style: chr17-31337498-A-C. GRCh37 (hg19) VCF-style: chr17-29664516-A-C.
Other names: c.6495A>C, p.Ser2165= (NM_000267.4).
Identifiers: ClinVar variation 184684 (VCV000184684.17), dbSNP rs753509749, ClinGen allele CA189687.

ClinVar aggregate classification (germline): Benign/Likely benign. Review status: criteria provided, multiple submitters, no conflicts (2 of 4 stars). 6 submissions from 6 submitters: Benign (1); Likely benign (4). 1 of the submissions does not count toward it. Last evaluated 2026-05-21.

Conditions:
NF1-related disorder. Also called: NF1-related condition. Identifiers: MedGen CN379171.
Hereditary cancer-predisposing syndrome. Also called: Tumor predisposition; Hereditary neoplastic syndrome; Neoplastic Syndromes, Hereditary; Hereditary Cancer Syndrome. Identifiers: Orphanet 140162, MedGen C0027672, MeSH D009386, MONDO:0015356.
Neurofibromatosis, type 1 (NF1). Also called: Neurofibromatosis, type I; NEUROFIBROMATOSIS, TYPE I, SOMATIC; VON RECKLINGHAUSEN DISEASE; Peripheral type neurofibromatosis. Identifiers: Orphanet 636, MedGen C0027831, MONDO:0018975, OMIM 162200. Disease mechanism: loss of function.

Allele frequency attached by ClinVar (database versions not stated): gnomAD 0.00001; gnomAD exomes below 0.00001 and 0.00001; TOPMed 0.00001; ExAC 0.00001.
gnomAD v4.1: 10 of 1,614,024 alleles (0.00062%); highest among the groups gnomAD compares: Non-Finnish European, 0.00085%; no homozygotes.

Submissions (6):

Myriad Genetics, Inc.
Classification: Benign for Neurofibromatosis, type 1. Last evaluated: 2026-05-21. Review status: criteria provided, single submitter. Criteria: Myriad Autosomal Dominant, Autosomal Recessive and X-Linked Classification Criteria (2023). Collection method: clinical testing. Allele origin: unknown.
Comment: This variant is considered benign. This variant is a silent/synonymous amino acid change and it is not expected to impact splicing.

Labcorp Genetics (formerly Invitae), Labcorp
Classification: Likely benign for Neurofibromatosis, type 1. Last evaluated: 2025-12-19. Review status: criteria provided, single submitter. Criteria: Invitae Variant Classification Sherloc (09022015). Collection method: clinical testing. Allele origin: germline.

Genome-Nilou Lab
Classification: Likely benign for Neurofibromatosis, type 1. Last evaluated: 2022-03-15. Review status: criteria provided, single submitter. Criteria: ACMG Guidelines, 2015. Collection method: clinical testing. Allele origin: germline. Affected: no.

GeneDx
Classification: Likely benign. Last evaluated: 2018-02-08. Review status: criteria provided, single submitter. Criteria: GeneDx Variant Classification (06012015). Collection method: clinical testing. Allele origin: germline. Affected: yes.
Comment: This variant is considered likely benign or benign based on one or more of the following criteria: it is a conservative change, it occurs at a poorly conserved position in the protein, it is predicted to be benign by multiple in silico algorithms, and/or has population frequency not consistent with disease.

Ambry Genetics
Classification: Likely benign for Hereditary cancer-predisposing syndrome. Last evaluated: 2014-10-31. Review status: criteria provided, single submitter. Criteria: Ambry Autosomal Dominant and X-Linked criteria (10/2015). Collection method: clinical testing. Allele origin: germline. Observed: 1 variant allele.

PreventionGenetics, part of Exact Sciences
Classification: Likely benign for NF1-related condition. Last evaluated: 2021-10-11. Review status: no assertion criteria provided. Collection method: clinical testing. Allele origin: germline. Not counted in ClinVar's aggregate classification.
Comment: This variant is classified as likely benign based on ACMG/AMP sequence variant interpretation guidelines (Richards et al. 2015 PMID: 25741868, with internal and published modifications).